The following is an entry in ClinVar:

ClinVar aggregate classification (germline): Likely pathogenic (1 of 4 stars; one submission).

Conditions:
Early-onset myopathy with fatal cardiomyopathy (CMYO5). Also called: CONGENITAL MYOPATHY 5 WITH CARDIOMYOPATHY; Salih Myopathy. Identifiers: Orphanet 289377, MedGen C2673677, MONDO:0012714, OMIM 611705. Disease mechanism: loss of function.

Submission:

3billion
Classification: Likely pathogenic for Early-onset myopathy with fatal cardiomyopathy. Last evaluated: 2024-09-05. Review status: criteria provided, single submitter. Criteria: ACMG Guidelines, 2015. Collection method: clinical testing. Allele origin: germline. Affected: yes.
Comment: The variant is not observed in the gnomAD v4.0.0 dataset. Predicted Consequence/Location: Frameshift: predicted to result in a loss or disruption of normal protein function through nonsense-mediated decay (NMD) or protein truncation. Multiple pathogenic variants are reported downstream of the variant. Therefore, this variant is classified as Likely pathogenic according to the recommendation of ACMG/AMP guideline.

NM_001267550.2(TTN):c.104524del (p.Ser34842fs)

Genes: TTN (titin; minus strand), TTN-AS1 (TTN antisense RNA 1; plus strand). Cytogenetic location: 2q31.2.
Variant type: Deletion.
Coding change: c.104524del on transcript NM_001267550.2 (MANE Select); coding-DNA position 104524, one base deleted (T; older notation c.104524delT).
Protein change: p.Ser34842fs; shifts the reading frame from serine 34842.
Molecular consequence: frameshift variant.
Genome position (GRCh38, 1-based): chr2:178,532,091, A deleted on the plus strand (T on the coding strand, the reverse complement: TTN is on the minus strand). VCF-style (leftmost placement, unchanged base first): chr2-178532090-GA-G. GRCh37 (hg19) VCF-style: chr2-179396817-GA-G.
Other names: c.99601del, p.Ser33201fs (NM_001256850.1); c.77329del, p.Ser25777fs (NM_003319.4); c.96820del, p.Ser32274fs (NM_133378.4); c.77704del, p.Ser25902fs (NM_133432.3); c.77905del, p.Ser25969fs (NM_133437.4); short protein forms S25777fs, S25902fs, S25969fs, S32274fs, S33201fs, S34842fs.
Identifiers: ClinVar variation 4293938 (VCV004293938.1).